The following is an entry in ClinVar:

ClinVar aggregate classification (germline): Uncertain significance (1 of 4 stars; one submission).

Submission:

GeneDx
Classification: Uncertain significance. Last evaluated: 2024-12-12. Review status: criteria provided, single submitter. Criteria: GeneDx Variant Classification Process June 2021. Collection method: clinical testing. Allele origin: germline. Affected: yes.
Comment: Not observed at significant frequency in large population cohorts (gnomAD); In-frame deletion of 3 amino acids in a non-repeat region; In silico analysis supports a deleterious effect on protein structure/function; Has not been previously published as pathogenic or benign to our knowledge

NM_004500.4(HNRNPC):c.591CCTGGAAAA[1] (p.Asn200_Glu202del)

Gene: HNRNPC (heterogeneous nuclear ribonucleoprotein C; minus strand). Cytogenetic location: 14q11.2.
Variant type: Microsatellite.
Coding change: c.591CCTGGAAAA[1] on transcript NM_004500.4 (MANE Select); one copy of the 9-base unit CCTGGAAAA starting at c.591; the reference has two copies in a row; one copy, 9 bases deleted.
Protein change: p.Asn200_Glu202del.
Molecular consequence: inframe deletion.
Genome position (GRCh38, 1-based): chr14:21,211,839-21,211,847, TTTTCCAGG deleted on the plus strand (CCTGGAAAA on the coding strand, the reverse complement: HNRNPC is on the minus strand); deleting any 9 consecutive bases within chr14:21,211,839-21,211,856 gives the same sequence; the position shown is the placement nearest the transcript's 3' end. VCF-style (leftmost placement, unchanged base first): chr14-21211838-TTTTTCCAGG-T. GRCh37 (hg19) VCF-style: chr14-21679997-TTTTTCCAGG-T.
Other names: c.630CCTGGAAAA[1], p.Asn213_Glu215del (NM_001077442.2, NM_031314.3); c.591CCTGGAAAA[1], p.Asn200_Glu202del (NM_001077443.2).
Identifiers: ClinVar variation 3902925 (VCV003902925.1).